The following is an entry in ClinVar:

ClinVar aggregate classification (germline): Uncertain significance. Review status: criteria provided, multiple submitters, no conflicts (2 of 4 stars). 2 submissions from 2 submitters: Uncertain significance (2). Last evaluated 2023-11-24.

Conditions:
Aortic aneurysm, familial thoracic 8 (AAT8). Identifiers: MedGen C3809513, MONDO:0014187, OMIM 615436.
Familial thoracic aortic aneurysm and aortic dissection (TAAD). Also called: Thoracic aortic aneurysms and dissections. Identifiers: Orphanet 91387, MedGen C4707243, MONDO:0019625.

Submissions (2):

Labcorp Genetics (formerly Invitae), Labcorp
Classification: Uncertain significance for Aortic aneurysm, familial thoracic 8. Last evaluated: 2023-11-24. Review status: criteria provided, single submitter. Criteria: Invitae Variant Classification Sherloc (09022015). Collection method: clinical testing. Allele origin: germline.
Comment: This sequence change replaces serine, which is neutral and polar, with arginine, which is basic and polar, at codon 654 of the PRKG1 protein (p.Ser654Arg). This variant is not present in population databases (gnomAD no frequency). This variant has not been reported in the literature in individuals affected with PRKG1-related conditions. ClinVar contains an entry for this variant (Variation ID: 1942966). An algorithm developed to predict the effect of missense changes on protein structure and function (PolyPhen-2) suggests that this variant is likely to be tolerated. In summary, the available evidence is currently insufficient to determine the role of this variant in disease. Therefore, it has been classified as a Variant of Uncertain Significance.

Ambry Genetics
Classification: Uncertain significance for Familial thoracic aortic aneurysm and aortic dissection. Last evaluated: 2023-09-30. Review status: criteria provided, single submitter. Criteria: Ambry Variant Classification Scheme 2023. Collection method: clinical testing. Allele origin: germline.
Comment: The p.S654R variant (also known as c.1960A>C), located in coding exon 17 of the PRKG1 gene, results from an A to C substitution at nucleotide position 1960. The serine at codon 654 is replaced by arginine, an amino acid with dissimilar properties. This amino acid position is conserved. In addition, this alteration is predicted to be tolerated by in silico analysis. Since supporting evidence is limited at this time, the clinical significance of this alteration remains unclear.

NM_006258.4(PRKG1):c.1960A>C (p.Ser654Arg)

Gene: PRKG1 (protein kinase cGMP-dependent 1; plus strand). Cytogenetic location: 10q21.1.
Variant type: single nucleotide variant.
Coding change: c.1960A>C on transcript NM_006258.4 (MANE Select); coding-DNA position 1960, A replaced by C.
Protein change: p.Ser654Arg; replaces serine 654 with arginine.
Molecular consequence: missense variant.
Genome position (GRCh38, 1-based): chr10:52,290,288, A>C. VCF-style: chr10-52290288-A-C. GRCh37 (hg19) VCF-style: chr10-54050048-A-C.
Other names: c.1915A>C, p.Ser639Arg (NM_001098512.3); c.751A>C, p.Ser251Arg (NM_001374781.1); c.1960A>C (NM_006258.3); short protein forms S251R, S639R, S654R.
Identifiers: ClinVar variation 1942966 (VCV001942966.6), dbSNP rs1842210761, ClinGen allele CA376536708.
Genomic context (GRCh38, chr10:52,290,288, plus strand): 5'-TTTGAGGGCTTTAACTGGGAAGGCTTAAGAAAAGGTACCTTGACACCTCCTATAATACCA[A>C]GTGTAAGTAGACTTTCCAGCTTATAATTGTGTGACATAATTGATGGTGTTTATGTCAGTC-3'
Protein context (NP_006249.1, residues 644-664): KGTLTPPIIP[Ser654Arg]VASPTDTSNF